The following is an entry in ClinVar:

ClinVar aggregate classification (germline): Pathogenic (1 of 4 stars; one submission).

Conditions:
Pheochromocytoma. Also called: MAX-Related Hereditary Paraganglioma-Pheochromocytoma Syndrome. Identifiers: Orphanet 29072, MedGen C0031511, MONDO:0008233, OMIM 171300, HP:0002666.
Gastrointestinal stromal tumor. Also called: Gastrointestinal stromal tumor, somatic; Gastrointestinal stroma tumor. Identifiers: Orphanet 44890, MedGen C0238198, MeSH D046152, MONDO:0011719, OMIM 606764, HP:0100723.
Pheochromocytoma/paraganglioma syndrome 4. Also called: SDHB-Related Hereditary Paraganglioma-Pheochromocytoma Syndrome; PARAGANGLIOMA, FAMILIAL MALIGNANT; PARAGANGLIOMAS, HEREDITARY EXTRAADRENAL; PHEOCHROMOCYTOMA, FAMILIAL EXTRAADRENAL; Paragangliomas 4; CAROTID BODY TUMORS AND MULTIPLE EXTRAADRENAL PHEOCHROMOCYTOMAS. Identifiers: Orphanet 29072, MedGen C1861848, MONDO:0007273, OMIM 115310.

Submission:

Labcorp Genetics (formerly Invitae), Labcorp
Classification: Pathogenic for Gastrointestinal stroma tumor; Paragangliomas 4; Pheochromocytoma. Last evaluated: 2018-03-09. Review status: criteria provided, single submitter. Criteria: Invitae Variant Classification Sherloc (09022015). Collection method: clinical testing. Allele origin: germline.
Comment: This variant is an out-of-frame deletion of the genomic region encompassing exon 3 of the SDHB gene. This is expected to create a premature translational stop signal and result in an absent or disrupted protein product. Deletions of exon 3 of the SDHB gene have been reported in more than one individual affected with head and neck paraganglioma (PMID: 19351833). Loss-of-function variants in SDHB are known to be pathogenic (PMID: 19454582, 19802898). For these reasons, this variant has been classified as Pathogenic.

Literature cited by the submitters: PubMed 19351833.

NC_000001.11:g.(?_17033054)_(17033151_?)del

Gene: SDHB (succinate dehydrogenase complex iron sulfur subunit B; minus strand). Cytogenetic location: 1p36.13.
Variant type: Deletion.
Identifiers: ClinVar variation 528762 (VCV000528762.1).